The following is an entry in ClinVar:

NM_001126108.2(SLC12A3):c.2548C>T (p.Leu850Phe)

Gene: SLC12A3 (solute carrier family 12 member 3; plus strand). Cytogenetic location: 16q13.
Variant type: single nucleotide variant.
Coding change: c.2548C>T on transcript NM_001126108.2 (MANE Select); coding-DNA position 2548, C replaced by T.
Protein change: p.Leu850Phe; replaces leucine 850 with phenylalanine.
Molecular consequence: missense variant.
Genome position (GRCh38, 1-based): chr16:56,894,557, C>T. VCF-style: chr16-56894557-C-T. GRCh37 (hg19) VCF-style: chr16-56928469-C-T.
Other names: c.2575C>T, p.Leu859Phe (NM_000339.3); c.2572C>T, p.Leu858Phe (NM_001126107.2); short protein forms L850F, L858F, L859F.
Identifiers: ClinVar variation 1490589 (VCV001490589.9), dbSNP rs765240540, ClinGen allele CA395997333.

ClinVar aggregate classification (germline): Conflicting classifications of pathogenicity. Review status: criteria provided, conflicting classifications (1 of 4 stars). 3 submissions from 3 submitters: Likely pathogenic (1); Uncertain significance (2). Last evaluated 2025-07-31.

Allele frequency attached by ClinVar (database versions not stated): gnomAD 0.00001; TOPMed 0.00001.
gnomAD v4.1: 3 of 1,613,866 alleles (0.00019%); highest among the groups gnomAD compares: Admixed American, 0.0017%; no homozygotes.

Submissions (3):

Women's Health and Genetics/Laboratory Corporation of America, LabCorp
Classification: Uncertain significance. Last evaluated: 2025-07-31. Review status: criteria provided, single submitter. Criteria: LabCorp Variant Classification Summary - May 2015. Collection method: clinical testing. Allele origin: germline.
Comment: Variant summary: SLC12A3 c.2575C>T (p.Leu859Phe) results in a non-conservative amino acid change located in the SLC12A transporter, C-terminal of the encoded protein sequence. Algorithms developed to predict the effect of missense changes on protein structure and function all suggest that this variant is likely to be disruptive. The variant was absent in 251032 control chromosomes (gnomAD). The available data on variant occurrences in the general population are insufficient to allow any conclusion about variant significance. To our knowledge, no occurrence of c.2575C>T in individuals affected with Familial Hypokalemia-Hypomagnesemia and no experimental evidence demonstrating its impact on protein function have been reported. ClinVar contains an entry for this variant (Variation ID: 1490589). Based on the evidence outlined above, the variant was classified as uncertain significance.

Blueprint Genetics
Classification: Uncertain significance. Last evaluated: 2024-06-27. Review status: criteria provided, single submitter. Criteria: ACMG Guidelines, 2015. Collection method: clinical testing. Allele origin: germline.

Labcorp Genetics (formerly Invitae), Labcorp
Classification: Likely pathogenic. Last evaluated: 2024-03-06. Review status: criteria provided, single submitter. Criteria: Invitae Variant Classification Sherloc (09022015). Collection method: clinical testing. Allele origin: germline.
Comment: This sequence change replaces leucine, which is neutral and non-polar, with phenylalanine, which is neutral and non-polar, at codon 859 of the SLC12A3 protein (p.Leu859Phe). This variant is not present in population databases (gnomAD no frequency). This variant has not been reported in the literature in individuals affected with SLC12A3-related conditions. ClinVar contains an entry for this variant (Variation ID: 1490589). Advanced modeling of protein sequence and biophysical properties (such as structural, functional, and spatial information, amino acid conservation, physicochemical variation, residue mobility, and thermodynamic stability) performed at Invitae indicates that this missense variant is expected to disrupt SLC12A3 protein function with a positive predictive value of 95%. This variant disrupts the p.Leu859 amino acid residue in SLC12A3. Other variant(s) that disrupt this residue have been determined to be pathogenic (PMID: 8528245, 19016647, 21415153, 23328711, 27582097). This suggests that this residue is clinically significant, and that variants that disrupt this residue are likely to be disease-causing. In summary, the currently available evidence indicates that the variant is pathogenic, but additional data are needed to prove that conclusively. Therefore, this variant has been classified as Likely Pathogenic.

Literature cited by the submitters: PubMed 8528245 (cited by Labcorp Genetics (formerly Invitae), Labcorp); PubMed 19016647 (cited by Labcorp Genetics (formerly Invitae), Labcorp); PubMed 21415153 (cited by Labcorp Genetics (formerly Invitae), Labcorp); PubMed 23328711 (cited by Labcorp Genetics (formerly Invitae), Labcorp); PubMed 27582097 (cited by Labcorp Genetics (formerly Invitae), Labcorp).